The following is an entry in ClinVar:

ClinVar aggregate classification (germline): Uncertain significance. Review status: criteria provided, multiple submitters, no conflicts (2 of 4 stars). 3 submissions from 3 submitters: Uncertain significance (3). Last evaluated 2026-01-13.

Conditions:
Primary ciliary dyskinesia. Also called: Ciliary dyskinesia. Identifiers: Orphanet 244, MedGen C0008780, MONDO:0016575, HP:0012265.

Allele frequency attached by ClinVar (database versions not stated): gnomAD exomes 0.00004 and 0.00005; gnomAD 0.00006; ExAC 0.00008; ESP Exome Variant Server 0.00008; TOPMed 0.00009; 1000 Genomes Project 30x 0.00016; 1000 Genomes Project 0.00020.
gnomAD v4.1: 71 of 1,613,872 alleles (0.0044%); highest among the groups gnomAD compares: Middle Eastern, 0.12%; no homozygotes.

Submissions (3):

Labcorp Genetics (formerly Invitae), Labcorp
Classification: Uncertain significance for Primary ciliary dyskinesia. Last evaluated: 2026-01-13. Review status: criteria provided, single submitter. Criteria: Invitae Variant Classification Sherloc (09022015). Collection method: clinical testing. Allele origin: germline.
Comment: This sequence change replaces isoleucine, which is neutral and non-polar, with valine, which is neutral and non-polar, at codon 1949 of the DNAH8 protein (p.Ile1949Val). This variant is present in population databases (rs182835785, gnomAD 0.009%). This variant has not been reported in the literature in individuals affected with DNAH8-related conditions. ClinVar contains an entry for this variant (Variation ID: 574395). Invitae Evidence Modeling of protein sequence and biophysical properties (such as structural, functional, and spatial information, amino acid conservation, physicochemical variation, residue mobility, and thermodynamic stability) indicates that this missense variant is expected to disrupt DNAH8 protein function with a positive predictive value of 80%. In summary, the available evidence is currently insufficient to determine the role of this variant in disease. Therefore, it has been classified as a Variant of Uncertain Significance.

Ambry Genetics
Classification: Uncertain significance. Last evaluated: 2024-08-04. Review status: criteria provided, single submitter. Criteria: Ambry Variant Classification Scheme 2023. Collection method: clinical testing. Allele origin: germline.

Breakthrough Genomics
Classification: Uncertain significance. Review status: criteria provided, single submitter. Criteria: ACMG Guidelines, 2015. Collection method: not provided. Allele origin: germline. Inheritance: Autosomal recessive inheritance. Affected: yes.

NM_001206927.2(DNAH8):c.5845A>G (p.Ile1949Val)

Gene: DNAH8 (dynein axonemal heavy chain 8; plus strand). Cytogenetic location: 6p21.2.
Variant type: single nucleotide variant.
Coding change: c.5845A>G on transcript NM_001206927.2 (MANE Select); coding-DNA position 5845, A replaced by G.
Protein change: p.Ile1949Val; replaces isoleucine 1949 with valine.
Molecular consequence: missense variant.
Genome position (GRCh38, 1-based): chr6:38,857,629, A>G. VCF-style: chr6-38857629-A-G. GRCh37 (hg19) VCF-style: chr6-38825405-A-G.
Other names: c.5194A>G, p.Ile1732Val (NM_001371.4); short protein forms I1949V, I1732V.
Identifiers: ClinVar variation 574395 (VCV000574395.12), dbSNP rs182835785, ClinGen allele CA3789496.